The following is an entry in ClinVar:

NM_004187.5(KDM5C):c.1255G>T (p.Glu419Ter)

Gene: KDM5C (lysine demethylase 5C; minus strand). Cytogenetic location: Xp11.22.
Variant type: single nucleotide variant.
Coding change: c.1255G>T on transcript NM_004187.5 (MANE Select); coding-DNA position 1255, G replaced by T.
Protein change: p.Glu419Ter; replaces glutamic acid 419 with a stop codon.
Molecular consequence: nonsense. On other transcripts: non-coding transcript variant (3).
Genome position (GRCh38, 1-based): chrX:53,211,643, C>A on the plus strand (G>T on the coding strand, the complement: KDM5C is on the minus strand). VCF-style: chrX-53211643-C-A. GRCh37 (hg19) VCF-style: chrX-53240825-C-A.
Other names: c.1054G>T, p.Glu352Ter (NM_001146702.2); c.1252G>T, p.Glu418Ter (NM_001282622.3, NM_001353979.2, NM_001353982.2); c.1255G>T, p.Glu419Ter (NM_001353978.3, NM_001353981.2, NM_001353984.2); short protein forms E352*, E418*, E419*.
Identifiers: ClinVar variation 4530479 (VCV004530479.1).
Genomic context (GRCh38, chrX:53,211,643, plus strand): 5'-CAACAGTCACATCTTCCTCAATGCTATTTACCAGCCTCCAGAACTCCTTCTCCACAAGTT[C>A]TGTGGGCACCATCTGGGGGAAGACAGGTAGCAGATGACTATGGCCCATCACACCCTGGAC-3'

ClinVar aggregate classification (somatic clinical impact): Tier II - Potential (1 of 4 stars; one submission).

Conditions:
Medulloblastoma SHH activated. Identifiers: MedGen C4330671, MONDO:0850197.

Submission:

Institute for Genomic Medicine (IGM) Clinical Laboratory, Nationwide Children's Hospital
Classification: Tier II - Potential for Medulloblastoma SHH activated. Assertion type: diagnostic. Clinical significance: supports diagnosis. Last evaluated: 2024-07-11. Review status: criteria provided, single submitter. Criteria: AMP/ASCO/CAP Guidelines, 2017. Collection method: clinical testing. Allele origin: somatic. Affected: yes.
Comment: Variant has Tier II (potential) clinical significance as a diagnostic inclusion criterion in medulloblastoma SHH activated, based on the following evidence: 1) Assists in diagnosis alone or along with other biomarkers based on small studies or few case reports (Evidence Level D).